The following is an entry in ClinVar:

ClinVar aggregate classification (germline): Uncertain significance. Review status: criteria provided, single submitter (1 of 4 stars). 2 submissions from 2 submitters: Uncertain significance (1). 1 of the submissions does not count toward it. Last evaluated 2022-01-16.

Conditions:
Leber congenital amaurosis 9 (LCA9). Also called: LCA 9; Amaurosis congenita of Leber, type 9; LCA9 Leber Congenital Amaurosis. Identifiers: Orphanet 65, MedGen C1837873, MONDO:0012056, OMIM 608553.

Allele frequency attached by ClinVar (database versions not stated): gnomAD exomes below 0.00001.
gnomAD v4.1: 1 of 1,614,192 alleles (0.000062%); highest among the groups gnomAD compares: Non-Finnish European, 0.000085%; no homozygotes.

Submissions (2):

Labcorp Genetics (formerly Invitae), Labcorp
Classification: Uncertain significance for Leber congenital amaurosis 9. Last evaluated: 2022-01-16. Review status: criteria provided, single submitter. Criteria: Invitae Variant Classification Sherloc (09022015). Collection method: clinical testing. Allele origin: germline.
Comment: This sequence change replaces histidine, which is basic and polar, with proline, which is neutral and non-polar, at codon 251 of the NMNAT1 protein (p.His251Pro). This variant is present in population databases (no rsID available, gnomAD 0.0009%). This missense change has been observed in individual(s) with Leber congenital amaurosis (PMID: 22842229). In at least one individual the data is consistent with being in trans (on the opposite chromosome) from a pathogenic variant. ClinVar contains an entry for this variant (Variation ID: 978262). Algorithms developed to predict the effect of missense changes on protein structure and function are either unavailable or do not agree on the potential impact of this missense change (SIFT: "Deleterious"; PolyPhen-2: "Possibly Damaging"; Align-GVGD: "Class C0"). In summary, the available evidence is currently insufficient to determine the role of this variant in disease. Therefore, it has been classified as a Variant of Uncertain Significance.

Laboratory of Genetics in Ophthalmology, Institut Imagine
Classification: Likely pathogenic for Leber congenital amaurosis 9. Review status: no assertion criteria provided. Collection method: research. Allele origin: inherited. Affected: yes. Observed: 1 variant allele. Not counted in ClinVar's aggregate classification.

Literature cited by the submitters: PubMed 22842229 (cited by Labcorp Genetics (formerly Invitae), Labcorp and Laboratory of Genetics in Ophthalmology, Institut Imagine).

NM_022787.4(NMNAT1):c.752A>C (p.His251Pro)

Gene: NMNAT1 (nicotinamide nucleotide adenylyltransferase 1; plus strand). Cytogenetic location: 1p36.22.
Variant type: single nucleotide variant.
Coding change: c.752A>C on transcript NM_022787.4 (MANE Select); coding-DNA position 752, A replaced by C.
Protein change: p.His251Pro; replaces histidine 251 with proline.
Molecular consequence: missense variant.
Genome position (GRCh38, 1-based): chr1:9,982,613, A>C. VCF-style: chr1-9982613-A-C. GRCh37 (hg19) VCF-style: chr1-10042671-A-C.
Other names: c.752A>C, p.His251Pro (NM_001297778.1); short protein forms H251P.
Identifiers: ClinVar variation 978262 (VCV000978262.6), dbSNP rs1208495291, ClinGen allele CA338687286.